The following is an entry in ClinVar:

NM_007194.4(CHEK2):c.379G>A (p.Glu127Lys)

Gene: CHEK2 (checkpoint kinase 2; minus strand). Cytogenetic location: 22q12.1.
Variant type: single nucleotide variant.
Coding change: c.379G>A on transcript NM_007194.4 (MANE Select); coding-DNA position 379, G replaced by A.
Protein change: p.Glu127Lys; replaces glutamic acid 127 with lysine.
Molecular consequence: missense variant.
Genome position (GRCh38, 1-based): chr22:28,725,308, C>T on the plus strand (G>A on the coding strand, the complement: CHEK2 is on the minus strand). VCF-style: chr22-28725308-C-T. GRCh37 (hg19) VCF-style: chr22-29121296-C-T.
Other names: c.508G>A, p.Glu170Lys (NM_001005735.3); c.-399G>A (NM_001257387.3); c.379G>A, p.Glu127Lys (NM_001349956.3, NM_145862.3); short protein forms E127K, E170K.
Identifiers: ClinVar variation 1735022 (VCV001735022.2), dbSNP rs2146069592, ClinGen allele CA411108085.

ClinVar aggregate classification (germline): Uncertain significance (1 of 4 stars; one submission).

Conditions:
Hereditary cancer-predisposing syndrome. Also called: Neoplastic Syndromes, Hereditary; Tumor predisposition; Hereditary Cancer Syndrome; Hereditary neoplastic syndrome. Identifiers: Orphanet 140162, MedGen C0027672, MeSH D009386, MONDO:0015356.

Submission:

Ambry Genetics
Classification: Uncertain significance for Hereditary cancer-predisposing syndrome. Last evaluated: 2021-09-21. Review status: criteria provided, single submitter. Criteria: Ambry Variant Classification Scheme 2023. Collection method: clinical testing. Allele origin: germline.
Comment: The p.E127K variant (also known as c.379G>A), located in coding exon 2 of the CHEK2 gene, results from a G to A substitution at nucleotide position 379. The glutamic acid at codon 127 is replaced by lysine, an amino acid with similar properties. This amino acid position is conserved. In addition, this alteration is predicted to be tolerated by in silico analysis. Since supporting evidence is limited at this time, the clinical significance of this alteration remains unclear.